The following is an entry in ClinVar:

NM_032152.5(PRAM1):c.249C>T (p.Pro83=)

Gene: PRAM1 (PML-RARA regulated adaptor molecule 1; minus strand). Cytogenetic location: 19p13.2.
Variant type: single nucleotide variant.
Coding change: c.249C>T on transcript NM_032152.5 (MANE Select); coding-DNA position 249, C replaced by T.
Protein change: p.Pro83=; no amino-acid change (proline 83 retained).
Molecular consequence: synonymous variant.
Genome position (GRCh38, 1-based): chr19:8,499,559, G>A on the plus strand (C>T on the coding strand, the complement: PRAM1 is on the minus strand). VCF-style: chr19-8499559-G-A. GRCh37 (hg19) VCF-style: chr19-8564443-G-A.
Identifiers: ClinVar variation 3771056 (VCV003771056.13).
Genomic context (GRCh38, chr19:8,499,559, plus strand): 5'-GAGGTCAGTGACCTCAGGCGGCGGGGGCTTCTTGGGGAGGTCAGTGACCTCAGGCGGCGG[G>A]GGCTTCTTGGGGAGGTCAGTGACCTCAGGCGGCGGGGGCTTCAAGGACACTGCACCAAAC-3'
Protein context (NP_115528.4, residues 73-93): PPEVTDLPKK[Pro83=]PPPEVTDLPK

ClinVar aggregate classification (germline): Likely benign (1 of 4 stars; one submission).

Submission:

CeGaT Center for Human Genetics Tuebingen
Classification: Likely benign. Last evaluated: 2025-02-01. Review status: criteria provided, single submitter. Criteria: CeGaT Center For Human Genetics Tuebingen Variant Classification Criteria Version 2. Collection method: clinical testing. Allele origin: germline. Affected: yes. Observed: 1 variant allele.
Comment: PRAM1: PM2:Supporting, BP4, BP7